The following is an entry in ClinVar:

ClinVar aggregate classification (germline): Uncertain significance (1 of 4 stars; one submission).

Submission:

Labcorp Genetics (formerly Invitae), Labcorp
Classification: Uncertain significance. Last evaluated: 2024-10-21. Review status: criteria provided, single submitter. Criteria: Invitae Variant Classification Sherloc (09022015). Collection method: clinical testing. Allele origin: germline.
Comment: This sequence change replaces histidine, which is basic and polar, with tyrosine, which is neutral and polar, at codon 736 of the TTBK2 protein (p.His736Tyr). This variant is not present in population databases (gnomAD no frequency). This variant has not been reported in the literature in individuals affected with TTBK2-related conditions. Invitae Evidence Modeling of protein sequence and biophysical properties (such as structural, functional, and spatial information, amino acid conservation, physicochemical variation, residue mobility, and thermodynamic stability) indicates that this missense variant is not expected to disrupt TTBK2 protein function with a negative predictive value of 80%. In summary, the available evidence is currently insufficient to determine the role of this variant in disease. Therefore, it has been classified as a Variant of Uncertain Significance.

NM_173500.4(TTBK2):c.2206C>T (p.His736Tyr)

Gene: TTBK2 (tau tubulin kinase 2; minus strand). Cytogenetic location: 15q15.2.
Variant type: single nucleotide variant.
Coding change: c.2206C>T on transcript NM_173500.4 (MANE Select); coding-DNA position 2206, C replaced by T.
Protein change: p.His736Tyr; replaces histidine 736 with tyrosine.
Molecular consequence: missense variant.
Genome position (GRCh38, 1-based): chr15:42,753,040, G>A on the plus strand (C>T on the coding strand, the complement: TTBK2 is on the minus strand). VCF-style: chr15-42753040-G-A. GRCh37 (hg19) VCF-style: chr15-43045238-G-A.
Other names: short protein forms H736Y.
Identifiers: ClinVar variation 3676126 (VCV003676126.2).